The following is an entry in ClinVar:

ClinVar aggregate classification (germline): Uncertain significance (1 of 4 stars; one submission).

Conditions:
Inborn genetic diseases. Identifiers: MedGen C0950123, MeSH D030342.

gnomAD v4.1: 1 of 1,608,990 alleles (0.000062%); highest among the groups gnomAD compares: Non-Finnish European, 0.000085%; no homozygotes.

Submission:

Ambry Genetics
Classification: Uncertain significance for Inborn genetic diseases. Last evaluated: 2025-01-25. Review status: criteria provided, single submitter. Criteria: Ambry Variant Classification Scheme 2023. Collection method: clinical testing. Allele origin: germline.
Comment: The p.Q797E variant (also known as c.2389C>G), located in coding exon 22 of the ANKRD26 gene, results from a C to G substitution at nucleotide position 2389. The glutamine at codon 797 is replaced by glutamic acid, an amino acid with highly similar properties. This amino acid position is conserved. In addition, this alteration is predicted to be tolerated by in silico analysis. Based on the available evidence, the clinical significance of this variant remains unclear.

NM_014915.3(ANKRD26):c.2389C>G (p.Gln797Glu)

Gene: ANKRD26 (ankyrin repeat domain containing 26; minus strand). Cytogenetic location: 10p12.1.
Variant type: single nucleotide variant.
Coding change: c.2389C>G on transcript NM_014915.3 (MANE Select); coding-DNA position 2389, C replaced by G.
Protein change: p.Gln797Glu; replaces glutamine 797 with glutamic acid.
Molecular consequence: missense variant.
Genome position (GRCh38, 1-based): chr10:27,038,041, G>C on the plus strand (C>G on the coding strand, the complement: ANKRD26 is on the minus strand). VCF-style: chr10-27038041-G-C. GRCh37 (hg19) VCF-style: chr10-27326970-G-C.
Other names: c.2386C>G, p.Gln796Glu (NM_001256053.2); short protein forms Q796E, Q797E.
Identifiers: ClinVar variation 3870781 (VCV003870781.1).